The following is an entry in ClinVar:

NM_001378454.1(ALMS1):c.9695C>T (p.Pro3232Leu)

Gene: ALMS1 (ALMS1 centrosome and basal body associated protein; plus strand). Cytogenetic location: 2p13.1.
Variant type: single nucleotide variant.
Coding change: c.9695C>T on transcript NM_001378454.1 (MANE Select); coding-DNA position 9695, C replaced by T.
Protein change: p.Pro3232Leu; replaces proline 3232 with leucine.
Molecular consequence: missense variant.
Genome position (GRCh38, 1-based): chr2:73,519,930, C>T. VCF-style: chr2-73519930-C-T. GRCh37 (hg19) VCF-style: chr2-73747057-C-T.
Other names: c.9698C>T, p.Pro3233Leu (NM_015120.4); short protein forms P3232L, P3233L.
Identifiers: ClinVar variation 3603040 (VCV003603040.1).

ClinVar aggregate classification (germline): Uncertain significance (1 of 4 stars; one submission).

gnomAD v4.1: 3 of 1,614,074 alleles (0.00019%); highest among the groups gnomAD compares: Admixed American, 0.0017%; no homozygotes.

Submission:

GeneDx
Classification: Uncertain significance. Last evaluated: 2024-08-07. Review status: criteria provided, single submitter. Criteria: GeneDx Variant Classification Process June 2021. Collection method: clinical testing. Allele origin: germline. Affected: yes.
Comment: Not observed at significant frequency in large population cohorts (gnomAD); In silico analysis indicates that this missense variant does not alter protein structure/function; Has not been previously published as pathogenic or benign to our knowledge